The following is an entry in ClinVar:

ClinVar aggregate classification (germline): Pathogenic (1 of 4 stars; one submission).

Conditions:
Nemaline myopathy 2 (NEM2). Also called: Nemaline myopathy 2, autosomal recessive. Identifiers: MedGen C1850569, MONDO:0009725, OMIM 256030.

Submission:

Labcorp Genetics (formerly Invitae), Labcorp
Classification: Pathogenic for Nemaline myopathy 2. Last evaluated: 2021-07-18. Review status: criteria provided, single submitter. Criteria: Invitae Variant Classification Sherloc (09022015). Collection method: clinical testing. Allele origin: germline.
Comment: For these reasons, this variant has been classified as Pathogenic. This variant has not been reported in the literature in individuals affected with NEB-related conditions. This variant is not present in population databases (ExAC no frequency). This sequence change creates a premature translational stop signal (p.Leu7586Aspfs*22) in the NEB gene. It is expected to result in an absent or disrupted protein product. Loss-of-function variants in NEB are known to be pathogenic (PMID: 25205138).

Literature cited by the submitters: PubMed 25205138.

NM_001164508.2(NEB):c.22651_22652del (p.Leu7551fs)

Genes: NEB (nebulin; minus strand), RIF1 (replication timing regulatory factor 1; plus strand). Cytogenetic location: 2q23.3.
Variant type: Microsatellite.
Coding change: c.22651_22652del on transcript NM_001164508.2 (MANE Select); coding-DNA positions 22651 to 22652, 2 bases deleted (CT; older notation c.22651_22652delCT).
Protein change: p.Leu7551fs; shifts the reading frame from leucine 7551.
Molecular consequence: frameshift variant.
Genome position (GRCh38, 1-based): chr2:151,519,008-151,519,009, AG deleted on the plus strand (CT on the coding strand, the reverse complement: NEB is on the minus strand); deleting any 2 consecutive bases within chr2:151,519,008-151,519,012 gives the same sequence; the c. name uses the placement nearest the transcript's 3' end. VCF-style (leftmost placement, unchanged base first): chr2-151519007-CAG-C. GRCh37 (hg19) VCF-style: chr2-152375521-CAG-C.
Other names: c.22651_22652del, p.Leu7551fs (NM_001164507.2); c.22756_22757del, p.Leu7586fs (NM_001271208.2); c.17548_17549del, p.Leu5850fs (NM_004543.5); short protein forms L5850fs, L7551fs, L7586fs.
Identifiers: ClinVar variation 1452497 (VCV001452497.6), dbSNP rs2153386052, ClinGen allele CA2577119689.